The following is an entry in ClinVar:

ClinVar aggregate classification (germline): Uncertain significance (1 of 4 stars; one submission).

Submission:

GeneDx
Classification: Uncertain significance. Last evaluated: 2022-09-29. Review status: criteria provided, single submitter. Criteria: GeneDx Variant Classification Process June 2021. Collection method: clinical testing. Allele origin: germline. Affected: yes.
Comment: Not observed at significant frequency in large population cohorts (gnomAD); In silico analysis supports that this missense variant has a deleterious effect on protein structure/function; Has not been previously published as pathogenic or benign to our knowledge

NM_003024.3(ITSN1):c.5122G>A (p.Glu1708Lys)

Gene: ITSN1 (intersectin 1; plus strand). Cytogenetic location: 21q22.11.
Variant type: single nucleotide variant.
Coding change: c.5122G>A on transcript NM_003024.3 (MANE Select); coding-DNA position 5122, G replaced by A.
Protein change: p.Glu1708Lys; replaces glutamic acid 1708 with lysine.
Molecular consequence: missense variant.
Genome position (GRCh38, 1-based): chr21:33,888,256, G>A. VCF-style: chr21-33888256-G-A. GRCh37 (hg19) VCF-style: chr21-35260560-G-A.
Other names: c.5107G>A, p.Glu1703Lys (NM_001331010.2); short protein forms E1703K, E1708K.
Identifiers: ClinVar variation 2446531 (VCV002446531.1), dbSNP rs2518701672, ClinGen allele CA410192382.